The following is an entry in ClinVar:

ClinVar aggregate classification (germline): Likely benign (0 of 4 stars; one submission).

Conditions:
CCNF-related disorder. Also called: CCNF-related condition.

Allele frequency attached by ClinVar (database versions not stated): gnomAD exomes 0.00009; gnomAD 0.00014; TOPMed 0.00014; ExAC 0.00028; 1000 Genomes Project 30x 0.00094; 1000 Genomes Project 0.00100.
gnomAD v4.1: 165 of 1,613,972 alleles (0.01%); highest among the groups gnomAD compares: East Asian, 0.28%; no homozygotes.

Submission:

PreventionGenetics, part of Exact Sciences
Classification: Likely benign for CCNF-related condition. Last evaluated: 2022-03-16. Review status: no assertion criteria provided. Collection method: clinical testing. Allele origin: germline.
Comment: This variant is classified as likely benign based on ACMG/AMP sequence variant interpretation guidelines (Richards et al. 2015 PMID: 25741868, with internal and published modifications).

NM_001761.3(CCNF):c.1592T>G (p.Leu531Arg)

Gene: CCNF (cyclin F; plus strand). Cytogenetic location: 16p13.3.
Variant type: single nucleotide variant.
Coding change: c.1592T>G on transcript NM_001761.3 (MANE Select); coding-DNA position 1592, T replaced by G.
Protein change: p.Leu531Arg; replaces leucine 531 with arginine.
Molecular consequence: missense variant.
Genome position (GRCh38, 1-based): chr16:2,453,414, T>G. VCF-style: chr16-2453414-T-G. GRCh37 (hg19) VCF-style: chr16-2503415-T-G.
Other names: c.668T>G, p.Leu223Arg (NM_001323538.2); short protein forms L223R, L531R.
Identifiers: ClinVar variation 3035972 (VCV003035972.2), dbSNP rs372723774, ClinGen allele CA7842645.